The following is an entry in ClinVar:

NM_001365088.1(SLC12A6):c.877-2A>G

Gene: SLC12A6 (solute carrier family 12 member 6; minus strand). Cytogenetic location: 15q14.
Variant type: single nucleotide variant.
Coding change: c.877-2A>G on transcript NM_001365088.1 (MANE Select); the canonical splice acceptor site of the intron before coding-DNA position 877, A replaced by G.
Molecular consequence: splice acceptor variant.
Genome position (GRCh38, 1-based): chr15:34,254,591, T>C on the plus strand (A>G on the coding strand, the complement: SLC12A6 is on the minus strand). VCF-style: chr15-34254591-T-C. GRCh37 (hg19) VCF-style: chr15-34546792-T-C.
Other names: c.700-2A>G (NM_001042495.2, NM_001042494.2); c.850-2A>G (NM_001042496.2); c.832-2A>G (NM_001042497.2); c.877-2A>G (NM_133647.2); c.724-2A>G (NM_005135.2).
Identifiers: ClinVar variation 2755636 (VCV002755636.3), dbSNP rs2509817742, ClinGen allele CA391609910.

ClinVar aggregate classification (germline): Likely pathogenic (1 of 4 stars; one submission).

Allele frequency attached by ClinVar (database versions not stated): gnomAD exomes below 0.00001.
gnomAD v4.1: 2 of 1,600,402 alleles (0.00012%); highest among the groups gnomAD compares: Non-Finnish European, 0.00017%; no homozygotes.

Submission:

Labcorp Genetics (formerly Invitae), Labcorp
Classification: Likely pathogenic. Last evaluated: 2023-06-01. Review status: criteria provided, single submitter. Criteria: Invitae Variant Classification Sherloc (09022015). Collection method: clinical testing. Allele origin: germline.
Comment: This sequence change affects an acceptor splice site in intron 7 of the SLC12A6 gene. It is expected to disrupt RNA splicing. Variants that disrupt the donor or acceptor splice site typically lead to a loss of protein function (PMID: 16199547), and loss-of-function variants in SLC12A6 are known to be pathogenic (PMID: 12368912, 16606917). This variant is not present in population databases (gnomAD no frequency). This variant has not been reported in the literature in individuals affected with SLC12A6-related conditions. Algorithms developed to predict the effect of sequence changes on RNA splicing suggest that this variant may disrupt the consensus splice site. In summary, the currently available evidence indicates that the variant is pathogenic, but additional data are needed to prove that conclusively. Therefore, this variant has been classified as Likely Pathogenic.

Literature cited by the submitters: PubMed 16199547; PubMed 12368912; PubMed 16606917.